The following is an entry in ClinVar:

NM_030665.4(RAI1):c.1102G>A (p.Glu368Lys)

Gene: RAI1 (retinoic acid induced 1; plus strand). Cytogenetic location: 17p11.2.
Variant type: single nucleotide variant.
Coding change: c.1102G>A on transcript NM_030665.4 (MANE Select); coding-DNA position 1102, G replaced by A.
Protein change: p.Glu368Lys; replaces glutamic acid 368 with lysine.
Molecular consequence: missense variant.
Genome position (GRCh38, 1-based): chr17:17,794,050, G>A. VCF-style: chr17-17794050-G-A. GRCh37 (hg19) VCF-style: chr17-17697364-G-A.
Other names: short protein forms E368K.
Identifiers: ClinVar variation 4996610 (VCV004996610.1).

ClinVar aggregate classification (germline): Uncertain significance (1 of 4 stars; one submission).

Conditions:
RAI1-related disorder. Also called: RAI1-related condition.

gnomAD v4.1: 1 of 1,613,910 alleles (0.000062%); no homozygotes.

Submission:

PreventionGenetics, part of Exact Sciences
Classification: Uncertain significance for RAI1-related condition. Last evaluated: 2026-05-28. Review status: criteria provided, single submitter. Criteria: ACMG Guidelines, 2015. Collection method: clinical testing. Allele origin: germline.
Comment: The RAI1 c.1102G>A variant is predicted to result in the amino acid substitution p.Glu368Lys. To our knowledge, this variant has not been reported in the literature or in a large population database (gnomAD), indicating this variant is rare. At this time, the clinical significance of this variant is uncertain due to the absence of conclusive functional and genetic evidence.